The following is an entry in ClinVar:

ClinVar aggregate classification (germline): Uncertain significance (1 of 4 stars; one submission).

Allele frequency attached by ClinVar (database versions not stated): TOPMed below 0.00001; gnomAD 0.00001; gnomAD exomes 0.00001; ExAC 0.00002.
gnomAD v4.1: 7 of 1,613,060 alleles (0.00043%); highest among the groups gnomAD compares: Admixed American, 0.012%; no homozygotes.

Submission:

Labcorp Genetics (formerly Invitae), Labcorp
Classification: Uncertain significance. Last evaluated: 2023-04-14. Review status: criteria provided, single submitter. Criteria: Invitae Variant Classification Sherloc (09022015). Collection method: clinical testing. Allele origin: germline.
Comment: In summary, the available evidence is currently insufficient to determine the role of this variant in disease. Therefore, it has been classified as a Variant of Uncertain Significance. An algorithm developed to predict the effect of missense changes on protein structure and function (PolyPhen-2) suggests that this variant¬† is likely to be tolerated. ClinVar contains an entry for this variant (Variation ID: 1925919). This variant has not been reported in the literature in individuals affected with DNAH9-related conditions. This variant is present in population databases (rs769163626, gnomAD 0.02%). This sequence change replaces valine, which is neutral and non-polar, with isoleucine, which is neutral and non-polar, at codon 2135 of the DNAH9 protein (p.Val2135Ile).

NM_001372.4(DNAH9):c.6403G>A (p.Val2135Ile)

Gene: DNAH9 (dynein axonemal heavy chain 9; plus strand). Cytogenetic location: 17p12.
Variant type: single nucleotide variant.
Coding change: c.6403G>A on transcript NM_001372.4 (MANE Select); coding-DNA position 6403, G replaced by A.
Protein change: p.Val2135Ile; replaces valine 2135 with isoleucine.
Molecular consequence: missense variant.
Genome position (GRCh38, 1-based): chr17:11,747,559, G>A. VCF-style: chr17-11747559-G-A. GRCh37 (hg19) VCF-style: chr17-11650876-G-A.
Other names: short protein forms V2135I.
Identifiers: ClinVar variation 1925919 (VCV001925919.3), dbSNP rs769163626, ClinGen allele CA8396309.
Genomic context (GRCh38, chr17:11,747,559, plus strand): 5'-TTGGGATGCAGGTGAGTCACAGGCTGGTCCCTCTGGCTGAATTTCCTGCCTCCTCAGGTG[G>A]TCCAGCTGGAGGAGCTCCTGGCTGTGCGGCACTCTGTATTTGTGGTGGGTGGCGCTGGTA-3'
Protein context (NP_001363.2, residues 2125-2145): QAEDNFVLKV[Val2135Ile]QLEELLAVRH